The following is an entry in ClinVar:

ClinVar aggregate classification (germline): Uncertain significance. Review status: criteria provided, multiple submitters, no conflicts (2 of 4 stars). 4 submissions from 4 submitters: Uncertain significance (4). Last evaluated 2026-07-06.

Conditions:
Drash syndrome (DDS). Also called: NEPHROPATHY, WILMS TUMOR, AND GENITAL ANOMALIES; WILMS TUMOR AND PSEUDO- OR TRUE HERMAPHRODITISM. Identifiers: Orphanet 220, MedGen C0950121, MONDO:0008682, OMIM 194080.
Frasier syndrome. Identifiers: Orphanet 347, MedGen C0950122, MeSH D052159, MONDO:0007635, OMIM 136680.
Wilms tumor 1 (WT1). Also called: Wilms tumor, somatic. Identifiers: Orphanet 654, MedGen CN033288, MONDO:0008679, OMIM 194070.
11p partial monosomy syndrome (WAGR). Also called: WAGR Complex; WAGR Spectrum Disorder; WAGR syndrome; CHROMOSOME 11p13 DELETION SYNDROME. Identifiers: Orphanet 893, MedGen C0206115, MONDO:0008681, OMIM 194072.
Inborn genetic diseases. Identifiers: MedGen C0950123, MeSH D030342.

Submissions (4):

Ambry Genetics
Classification: Uncertain significance for Inborn genetic diseases. Last evaluated: 2026-07-06. Review status: criteria provided, single submitter. Criteria: Ambry Variant Classification Scheme 2023. Collection method: clinical testing. Allele origin: germline.
Comment: The p.E387K variant (also known as c.1159G>A), located in coding exon 7 of the WT1 gene, results from a G to A substitution at nucleotide position 1159. The glutamic acid at codon 387 is replaced by lysine, an amino acid with similar properties. This amino acid position is conserved. In addition, the in silico prediction for this alteration is inconclusive. Based on the available evidence, the clinical significance of this variant remains unclear.

CeGaT Center for Human Genetics Tuebingen
Classification: Uncertain significance. Last evaluated: 2025-03-01. Review status: criteria provided, single submitter. Criteria: CeGaT Center For Human Genetics Tuebingen Variant Classification Criteria Version 2. Collection method: clinical testing. Allele origin: germline. Affected: yes. Observed: 1 variant allele.
Comment: WT1: PM2, PP3

Labcorp Genetics (formerly Invitae), Labcorp
Classification: Uncertain significance for Wilms tumor 1; Drash syndrome; 11p partial monosomy syndrome; Frasier syndrome. Last evaluated: 2019-06-25. Review status: criteria provided, single submitter. Criteria: Invitae Variant Classification Sherloc (09022015). Collection method: clinical testing. Allele origin: germline.
Comment: This variant is not present in population databases (ExAC no frequency). In summary, the available evidence is currently insufficient to determine the role of this variant in disease. Therefore, it has been classified as a Variant of Uncertain Significance. Algorithms developed to predict the effect of missense changes on protein structure and function (SIFT, PolyPhen-2, Align-GVGD) all suggest that this variant is likely to be disruptive, but these predictions have not been confirmed by published functional studies and their clinical significance is uncertain. This variant has not been reported in the literature in individuals with WT1-related conditions. This sequence change replaces glutamic acid with lysine at codon 387 of the WT1 protein (p.Glu387Lys). The glutamic acid residue is highly conserved and there is a small physicochemical difference between glutamic acid and lysine.

Genetic Services Laboratory, University of Chicago
Classification: Uncertain significance. Last evaluated: 2019-05-30. Review status: criteria provided, single submitter. Criteria: ACMG Guidelines, 2015. Collection method: clinical testing. Allele origin: germline. Affected: no.

NM_024426.6(WT1):c.1174G>A (p.Glu392Lys)

Gene: WT1 (WT1 transcription factor; minus strand). Cytogenetic location: 11p13.
Variant type: single nucleotide variant.
Coding change: c.1174G>A on transcript NM_024426.6 (MANE Select); coding-DNA position 1174, G replaced by A.
Protein change: p.Glu392Lys; replaces glutamic acid 392 with lysine.
Molecular consequence: missense variant. On other transcripts: 5 prime UTR variant (1), non-coding transcript variant (1).
Genome position (GRCh38, 1-based): chr11:32,396,347, C>T on the plus strand (G>A on the coding strand, the complement: WT1 is on the minus strand). VCF-style: chr11-32396347-C-T. GRCh37 (hg19) VCF-style: chr11-32417893-C-T.
Other names: c.1123G>A, p.Glu375Lys (NM_000378.6, NM_001407045.1, NM_001407048.1 and 1 more transcripts); c.523G>A, p.Glu175Lys (NM_001198551.2); c.472G>A, p.Glu158Lys (NM_001198552.2); c.-15G>A (NM_001367854.1); c.1168G>A, p.Glu390Lys (NM_001407044.1); c.1174G>A, p.Glu392Lys (NM_001407046.1, NM_024424.5); c.1051G>A, p.Glu351Lys (NM_001407047.1); c.1000G>A, p.Glu334Lys (NM_001407050.1); and 2 more; short protein forms E375K, E175K, E158K, E392K, E138K, E334K, E390K, E351K.
Identifiers: ClinVar variation 947311 (VCV000947311.21), dbSNP rs1851970123, ClinGen allele CA379959972.